The following is an entry in ClinVar:

ClinVar aggregate classification (germline): Uncertain significance (1 of 4 stars; one submission).

Submission:

CeGaT Center for Human Genetics Tuebingen
Classification: Uncertain significance. Last evaluated: 2026-06-01. Review status: criteria provided, single submitter. Criteria: CeGaT Center For Human Genetics Tuebingen Variant Classification Criteria Version 2. Collection method: clinical testing. Allele origin: germline. Affected: yes. Observed: 1 variant allele.
Comment: NEFL: PM2, BP4

NM_006158.5(NEFL):c.1358A>G (p.Glu453Gly)

Gene: NEFL (neurofilament light chain; minus strand). Cytogenetic location: 8p21.2.
Variant type: single nucleotide variant.
Coding change: c.1358A>G on transcript NM_006158.5 (MANE Select); coding-DNA position 1358, A replaced by G.
Protein change: p.Glu453Gly; replaces glutamic acid 453 with glycine.
Molecular consequence: missense variant.
Genome position (GRCh38, 1-based): chr8:24,953,607, T>C on the plus strand (A>G on the coding strand, the complement: NEFL is on the minus strand). VCF-style: chr8-24953607-T-C. GRCh37 (hg19) VCF-style: chr8-24811121-T-C.
Other names: short protein forms E453G.
Identifiers: ClinVar variation 4874946 (VCV004874946.2).